The following is an entry in ClinVar:

ClinVar aggregate classification (germline): Pathogenic. Review status: criteria provided, multiple submitters, no conflicts (2 of 4 stars). 2 submissions from 2 submitters: Pathogenic (2). Last evaluated 2024-02-12.

Conditions:
Osteogenesis imperfecta type I (OI1). Also called: Osteogenesis imperfecta type 1; OI, TYPE I; OSTEOGENESIS IMPERFECTA TARDA; OSTEOGENESIS IMPERFECTA WITH BLUE SCLERAE; Lobstein's Disease; Lobstein disease. Identifiers: Orphanet 216796, Orphanet 666, MedGen C0023931, MONDO:0008146, OMIM 166200. Disease mechanism: loss of function.

Submissions (2):

GeneDx
Classification: Pathogenic. Last evaluated: 2024-02-12. Review status: criteria provided, single submitter. Criteria: GeneDx Variant Classification Process June 2021. Collection method: clinical testing. Allele origin: germline. Affected: yes.
Comment: Frameshift variant predicted to result in protein truncation or nonsense mediated decay in a gene for which loss of function is a known mechanism of disease; Not observed at significant frequency in large population cohorts (gnomAD); This variant is associated with the following publications: (PMID: 33470886)

Labcorp Genetics (formerly Invitae), Labcorp
Classification: Pathogenic for Osteogenesis imperfecta type I. Last evaluated: 2024-01-28. Review status: criteria provided, single submitter. Criteria: Invitae Variant Classification Sherloc (09022015). Collection method: clinical testing. Allele origin: germline.
Comment: This sequence change creates a premature translational stop signal (p.Gly461Alafs*80) in the COL1A1 gene. It is expected to result in an absent or disrupted protein product. Loss-of-function variants in COL1A1 are known to be pathogenic (PMID: 7942841, 9295084, 9443882). This variant is not present in population databases (gnomAD no frequency). This variant has not been reported in the literature in individuals affected with COL1A1-related conditions. ClinVar contains an entry for this variant (Variation ID: 526840). For these reasons, this variant has been classified as Pathogenic.

Literature cited by the submitters: PubMed 7942841 (cited by Labcorp Genetics (formerly Invitae), Labcorp); PubMed 9295084 (cited by Labcorp Genetics (formerly Invitae), Labcorp); PubMed 9443882 (cited by Labcorp Genetics (formerly Invitae), Labcorp).

NM_000088.4(COL1A1):c.1382del (p.Gly461fs)

Gene: COL1A1 (collagen type I alpha 1 chain; minus strand). Cytogenetic location: 17q21.33.
Variant type: Deletion.
Coding change: c.1382del on transcript NM_000088.4 (MANE Select); coding-DNA position 1382, one base deleted (G; older notation c.1382delG).
Protein change: p.Gly461fs; shifts the reading frame from glycine 461.
Molecular consequence: frameshift variant.
Genome position (GRCh38, 1-based): chr17:50,194,800, C deleted on the plus strand (G on the coding strand, the reverse complement: COL1A1 is on the minus strand); the first of 2 consecutive C bases (chr17:50,194,800-50,194,801); deleting either gives the same sequence. VCF-style (leftmost placement, unchanged base first): chr17-50194799-GC-G. GRCh37 (hg19) VCF-style: chr17-48272160-GC-G.
Other names: c.1382delG (NM_000088.3); c.1382del (NM_000088.3); short protein forms G461fs.
Identifiers: ClinVar variation 526840 (VCV000526840.8), dbSNP rs1555573897, ClinGen allele CA658798898.